The following is an entry in ClinVar:

NM_198428.3(BBS9):c.1199-7A>G

Gene: BBS9 (Bardet-Biedl syndrome 9; plus strand). Cytogenetic location: 7p14.3.
Variant type: single nucleotide variant.
Coding change: c.1199-7A>G on transcript NM_198428.3 (MANE Select); 7 bases into the intron before coding-DNA position 1199, A replaced by G.
Molecular consequence: intron variant.
Genome position (GRCh38, 1-based): chr7:33,340,890, A>G. VCF-style: chr7-33340890-A-G. GRCh37 (hg19) VCF-style: chr7-33380502-A-G.
Other names: c.1199-7A>G (NM_001348036.1, NM_001362679.1, NM_001348041.4 and 5 more transcripts); c.926-7A>G (NM_001348038.3, NM_001348039.3); c.833-7A>G (NM_001348037.3, NM_001348045.3, NM_001348046.3 and 1 more transcripts); c.1064-7A>G (NM_001348042.3).
Identifiers: ClinVar variation 4993340 (VCV004993340.1).
Genomic context (GRCh38, chr7:33,340,890, plus strand): 5'-TAAAGAAAAACTATATATAGAAAGTTTTACTTTATGATTAAATAATTTTTCTTTTTTTAA[A>G]TCACAGGTGTTTGGCCCATGACTGAGAGAGAAGATGACTTGAACGTTTCTGTCGTGGTTT-3'

ClinVar aggregate classification (germline): Uncertain significance (1 of 4 stars; one submission).

Conditions:
BBS9-related disorder. Also called: BBS9-related condition.

Submission:

PreventionGenetics, part of Exact Sciences
Classification: Uncertain significance for BBS9-related condition. Last evaluated: 2026-06-09. Review status: criteria provided, single submitter. Criteria: ACMG Guidelines, 2015. Collection method: clinical testing. Allele origin: germline.
Comment: The BBS9 c.1199-7A>G variant is predicted to interfere with splicing. This variant is predicted to impact splicing based on available splicing prediction programs (SpliceAI, Jaganathan et al. 2019. PubMed ID: 30661751). To our knowledge, this variant has not been reported in the literature or in a large population database (gnomAD), indicating this variant is rare. At this time, the clinical significance of this variant is uncertain due to the absence of conclusive functional and genetic evidence.